The following is an entry in ClinVar:

NM_000243.3(MEFV):c.1955G>A (p.Arg652His)

Genes: MEFV (MEFV innate immunity regulator, pyrin; minus strand), LOC126862264 (CDK7 strongly-dependent group 2 enhancer GRCh37_chr16:3293322-3294521; plus strand). Cytogenetic location: 16p13.3.
Variant type: single nucleotide variant.
Coding change: c.1955G>A on transcript NM_000243.3 (MANE Select); coding-DNA position 1955, G replaced by A.
Protein change: p.Arg652His; replaces arginine 652 with histidine.
Molecular consequence: missense variant. On other transcripts: 3 prime UTR variant (1).
Genome position (GRCh38, 1-based): chr16:3,243,532, C>T on the plus strand (G>A on the coding strand, the complement: MEFV is on the minus strand). VCF-style: chr16-3243532-C-T. GRCh37 (hg19) VCF-style: chr16-3293532-C-T.
Other names: c.*159G>A (NM_001198536.2); short protein forms R652H.
Identifiers: ClinVar variation 2077003 (VCV002077003.1), dbSNP rs766778566, ClinGen allele CA7859891.

ClinVar aggregate classification (germline): Uncertain significance (1 of 4 stars; one submission).

Conditions:
Familial Mediterranean fever (FMF). Also called: POLYSEROSITIS, FAMILIAL PAROXYSMAL; POLYSEROSITIS, RECURRENT; Periodic peritonitis; Benign paroxysmal peritonitis. Identifiers: Orphanet 342, MedGen C0031069, MONDO:0018088, OMIM 249100. Disease mechanism: gain of function.

Allele frequency attached by ClinVar (database versions not stated): gnomAD 0.00001; gnomAD exomes 0.00001; ExAC 0.00001.
gnomAD v4.1: 14 of 1,613,556 alleles (0.00087%); highest among the groups gnomAD compares: Admixed American, 0.0017%; no homozygotes.

Submission:

Labcorp Genetics (formerly Invitae), Labcorp
Classification: Uncertain significance for Familial Mediterranean fever. Last evaluated: 2022-08-10. Review status: criteria provided, single submitter. Criteria: Invitae Variant Classification Sherloc (09022015). Collection method: clinical testing. Allele origin: germline.
Comment: This sequence change replaces arginine, which is basic and polar, with histidine, which is basic and polar, at codon 652 of the MEFV protein (p.Arg652His). This variant is present in population databases (rs766778566, gnomAD 0.006%). This variant has not been reported in the literature in individuals affected with MEFV-related conditions. Algorithms developed to predict the effect of missense changes on protein structure and function output the following: SIFT: "Tolerated"; PolyPhen-2: "Benign"; Align-GVGD: "Class C0". The histidine amino acid residue is found in multiple mammalian species, which suggests that this missense change does not adversely affect protein function. In summary, the available evidence is currently insufficient to determine the role of this variant in disease. Therefore, it has been classified as a Variant of Uncertain Significance.